The following is an entry in ClinVar:

ClinVar aggregate classification (germline): Uncertain significance. Review status: criteria provided, multiple submitters, no conflicts (2 of 4 stars). 3 submissions from 2 submitters: Uncertain significance (3). Last evaluated 2024-12-01.

Conditions:
Inborn genetic diseases. Identifiers: MedGen C0950123, MeSH D030342.
Diffuse pediatric-type high-grade glioma, H3-wildtype and IDH-wildtype. Identifiers: MedGen C5669918, MONDO:0858939.
Pediatric high-grade glioma. Identifiers: MedGen C5908419, MONDO:1010030.

Submissions (3):

Ambry Genetics
Classification: Uncertain significance for Inborn genetic diseases. Last evaluated: 2024-12-01. Review status: criteria provided, single submitter. Criteria: Ambry Variant Classification Scheme 2023. Collection method: clinical testing. Allele origin: germline.
Comment: The p.P1220L variant (also known as c.3659C>T), located in coding exon 37 of the FANCA gene, results from a C to T substitution at nucleotide position 3659. The proline at codon 1220 is replaced by leucine, an amino acid with similar properties. This amino acid position is conserved. In addition, the in silico prediction for this alteration is inconclusive. Based on the available evidence, the clinical significance of this variant remains unclear.

Laboratory of Medical Genetics Unit, Bambino Gesù Children's Hospital
Classification: Uncertain significance for Diffuse pediatric-type high-grade glioma, H3-wildtype and IDH-wildtype. Last evaluated: 2019-03-27. Review status: criteria provided, single submitter. Criteria: ACMG Guidelines, 2015. Collection method: research. Allele origin: paternal. Affected: yes. Observed: 1 heterozygote.

Laboratory of Medical Genetics Unit, Bambino Gesù Children's Hospital
Classification: Uncertain significance for Pediatric high-grade glioma. Review status: criteria provided, single submitter. Criteria: ACMG Guidelines, 2015. Collection method: research. Allele origin: germline. Affected: yes. Observed: 1 heterozygote.

NM_000135.4(FANCA):c.3659C>T (p.Pro1220Leu)

Gene: FANCA (FA complementation group A; minus strand). Cytogenetic location: 16q24.3.
Variant type: single nucleotide variant.
Coding change: c.3659C>T on transcript NM_000135.4 (MANE Select); coding-DNA position 3659, C replaced by T.
Protein change: p.Pro1220Leu; replaces proline 1220 with leucine.
Molecular consequence: missense variant.
Genome position (GRCh38, 1-based): chr16:89,742,906, G>A on the plus strand (C>T on the coding strand, the complement: FANCA is on the minus strand). VCF-style: chr16-89742906-G-A. GRCh37 (hg19) VCF-style: chr16-89809314-G-A.
Other names: c.3659C>T, p.Pro1220Leu (NM_001286167.3); short protein forms P1220L.
Identifiers: ClinVar variation 2573127 (VCV002573127.3), dbSNP rs2062171639, ClinGen allele CA397485492.